The following is an entry in ClinVar:

NM_000138.5(FBN1):c.2562G>A (p.Trp854Ter)

Gene: FBN1 (fibrillin 1; minus strand). Cytogenetic location: 15q21.1.
Variant type: single nucleotide variant.
Coding change: c.2562G>A on transcript NM_000138.5 (MANE Select); coding-DNA position 2562, G replaced by A.
Protein change: p.Trp854Ter; replaces tryptophan 854 with a stop codon.
Molecular consequence: nonsense.
Genome position (GRCh38, 1-based): chr15:48,495,238, C>T on the plus strand (G>A on the coding strand, the complement: FBN1 is on the minus strand). VCF-style: chr15-48495238-C-T. GRCh37 (hg19) VCF-style: chr15-48787435-C-T.
Other names: short protein forms W854*.
Identifiers: ClinVar variation 549096 (VCV000549096.8), dbSNP rs1555399164, ClinGen allele CA392332852.

ClinVar aggregate classification (germline): Pathogenic. Review status: criteria provided, single submitter (1 of 4 stars). 2 submissions from 2 submitters: Pathogenic (1). 1 of the submissions does not count toward it. Last evaluated 2025-04-02.

Conditions:
Marfan syndrome (MFS). Also called: Marfan syndrome type 1; Marfan syndrome, classic; Marfan's syndrome; FBN1-Related Marfan Syndrome; MARFAN SYNDROME, TYPE I. Identifiers: Orphanet 284963, Orphanet 558, MedGen C0024796, MONDO:0007947, OMIM 154700.
Familial thoracic aortic aneurysm and aortic dissection (TAAD). Also called: Thoracic aortic aneurysms and dissections. Identifiers: Orphanet 91387, MedGen C4707243, MONDO:0019625.

Submissions (2):

Labcorp Genetics (formerly Invitae), Labcorp
Classification: Pathogenic for Marfan syndrome; Familial thoracic aortic aneurysm and aortic dissection. Last evaluated: 2025-04-02. Review status: criteria provided, single submitter. Criteria: Invitae Variant Classification Sherloc (09022015). Collection method: clinical testing. Allele origin: germline.
Comment: This sequence change creates a premature translational stop signal (p.Trp854*) in the FBN1 gene. It is expected to result in an absent or disrupted protein product. Loss-of-function variants in FBN1 are known to be pathogenic (PMID: 17657824, 19293843). This variant is not present in population databases (gnomAD no frequency). This premature translational stop signal has been observed in individual(s) with Marfan syndrome (PMID: 15241795). ClinVar contains an entry for this variant (Variation ID: 549096). For these reasons, this variant has been classified as Pathogenic.

Center for Medical Genetics Ghent, University of Ghent
Classification: Pathogenic for Marfan syndrome. Last evaluated: 2017-11-07. Review status: no assertion criteria provided. Collection method: clinical testing. Allele origin: germline. Affected: yes. Not counted in ClinVar's aggregate classification.

Literature cited by the submitters: PubMed 17657824 (cited by Labcorp Genetics (formerly Invitae), Labcorp); PubMed 19293843 (cited by Labcorp Genetics (formerly Invitae), Labcorp); PubMed 15241795 (cited by Labcorp Genetics (formerly Invitae), Labcorp).